The following is an entry in ClinVar:

NM_144658.4(DOCK11):c.3180+3A>G

Gene: DOCK11 (dedicator of cytokinesis 11; plus strand). Cytogenetic location: Xq24.
Variant type: single nucleotide variant.
Coding change: c.3180+3A>G on transcript NM_144658.4 (MANE Select); 3 bases into the intron after coding-DNA position 3180, A replaced by G.
Molecular consequence: intron variant.
Genome position (GRCh38, 1-based): chrX:118,614,778, A>G. VCF-style: chrX-118614778-A-G. GRCh37 (hg19) VCF-style: chrX-117748741-A-G.
Identifiers: ClinVar variation 3251187 (VCV003251187.18), dbSNP rs2014767654.

ClinVar aggregate classification (germline): Uncertain significance (1 of 4 stars; one submission).

Submission:

CeGaT Center for Human Genetics Tuebingen
Classification: Uncertain significance. Last evaluated: 2024-07-01. Review status: criteria provided, single submitter. Criteria: CeGaT Center For Human Genetics Tuebingen Variant Classification Criteria Version 2. Collection method: clinical testing. Allele origin: germline. Affected: yes. Observed: 1 variant allele.
Comment: DOCK11: PM2, BP4